The following is an entry in ClinVar:

ClinVar aggregate classification (germline): Likely benign (1 of 4 stars; one submission).

Allele frequency attached by ClinVar (database versions not stated): gnomAD 0.01322 and 0.01386; TOPMed 0.01577; 1000 Genomes Project 0.01797; 1000 Genomes Project 30x 0.01827.
gnomAD v4.1: 2,088 of 152,260 alleles (1.4%); highest among the groups gnomAD compares: African/African-American, 4.8%; 56 homozygotes.

Submission:

GeneDx
Classification: Likely benign. Last evaluated: 2018-06-19. Review status: criteria provided, single submitter. Criteria: GeneDx Variant Classification (06012015). Collection method: clinical testing. Allele origin: germline. Affected: yes.
Comment: This variant is considered likely benign or benign based on one or more of the following criteria: it is a conservative change, it occurs at a poorly conserved position in the protein, it is predicted to be benign by multiple in silico algorithms, and/or has population frequency not consistent with disease.

NM_000426.4(LAMA2):c.6707+314T>C

Gene: LAMA2 (laminin subunit alpha 2; plus strand). Cytogenetic location: 6q22.33.
Variant type: single nucleotide variant.
Coding change: c.6707+314T>C on transcript NM_000426.4 (MANE Select); 314 bases into the intron after coding-DNA position 6707, T replaced by C.
Molecular consequence: intron variant.
Genome position (GRCh38, 1-based): chr6:129,454,602, T>C. VCF-style: chr6-129454602-T-C. GRCh37 (hg19) VCF-style: chr6-129775747-T-C.
Other names: c.6707+314T>C (NM_001079823.2).
Identifiers: ClinVar variation 674207 (VCV000674207.1), dbSNP rs73775426, ClinGen allele CA146884617.